The following is an entry in ClinVar:

NM_000520.6(HEXA):c.1453T>C (p.Trp485Arg)

Gene: HEXA (hexosaminidase subunit alpha; minus strand). Cytogenetic location: 15q23.
Variant type: single nucleotide variant.
Coding change: c.1453T>C on transcript NM_000520.6 (MANE Select); coding-DNA position 1453, T replaced by C.
Protein change: p.Trp485Arg; replaces tryptophan 485 with arginine.
Molecular consequence: missense variant. On other transcripts: non-coding transcript variant (1).
Genome position (GRCh38, 1-based): chr15:72,345,519, A>G on the plus strand (T>C on the coding strand, the complement: HEXA is on the minus strand). VCF-style: chr15-72345519-A-G. GRCh37 (hg19) VCF-style: chr15-72637860-A-G.
Other names: c.1486T>C, p.Trp496Arg (NM_001318825.2); short protein forms W485R, W496R.
Identifiers: ClinVar variation 3917 (VCV000003917.176), dbSNP rs121907968, ClinGen allele CA252924.
Genomic context (GRCh38, chr15:72,345,519, plus strand): 5'-AGCGGAAGTGTGACAAACGTTCATAGGCAAATGTCAGGTCAGATGTCAACTTGTTGCTCC[A>G]CAGCCTTTCGGCAACAGCCCCTGCTCTGGGCCTGGAGGAAAAGGGGCATGTGCCAGATTG-3'
Protein context (NP_000511.2, residues 475-495): PRAGAVAERL[Trp485Arg]SNKLTSDLTF

ClinVar aggregate classification (germline): Uncertain significance. Review status: criteria provided, single submitter (1 of 4 stars). 3 submissions from 3 submitters: Uncertain significance (1). 2 of the submissions do not count toward it. Last evaluated 2021-08-28.

Conditions:
Tay-Sachs disease (TSD). Also called: HEXA DEFICIENCY; Hexosaminidase A Deficiency; HEXA Disorders; GM2 gangliosidosis, type 1; Hexosaminidase alpha-subunit deficiency (variant B); Sphingolipidosis, Tay-Sachs. Identifiers: Orphanet 845, MedGen C0039373, MONDO:0010100, OMIM 272800.

Submissions (3):

Labcorp Genetics (formerly Invitae), Labcorp
Classification: Uncertain significance for Tay-Sachs disease. Last evaluated: 2021-08-28. Review status: criteria provided, single submitter. Criteria: Invitae Variant Classification Sherloc (09022015). Collection method: clinical testing. Allele origin: germline.
Comment: This sequence change replaces tryptophan with arginine at codon 485 of the HEXA protein (p.Trp485Arg). The tryptophan residue is highly conserved and there is a moderate physicochemical difference between tryptophan and arginine. This variant is not present in population databases (ExAC no frequency). This missense change has been observed in individual(s) with Tay-Sachs disease (PMID: 1301190). ClinVar contains an entry for this variant (Variation ID: 3917). Algorithms developed to predict the effect of missense changes on protein structure and function are either unavailable or do not agree on the potential impact of this missense change (SIFT: "Deleterious"; PolyPhen-2: "Probably Damaging"; Align-GVGD: "Class C0"). Experimental studies have shown that this missense change affects HEXA function (PMID: 1301190). In summary, the available evidence is currently insufficient to determine the role of this variant in disease. Therefore, it has been classified as a Variant of Uncertain Significance.

Counsyl
Classification: Uncertain significance for Tay-Sachs disease. Last evaluated: 2018-03-12. Review status: no assertion criteria provided. Collection method: clinical testing. Allele origin: unknown. Not counted in ClinVar's aggregate classification.

OMIM
Classification: Pathogenic for TAY-SACHS DISEASE. Last evaluated: 1992-01-01. Review status: no assertion criteria provided. Collection method: literature only. Allele origin: germline. Not counted in ClinVar's aggregate classification.

Literature cited by the submitters: PubMed 1301190 (cited by 3 submitters); PubMed 16698036 (cited by Counsyl); PubMed 18490185 (cited by Counsyl).